The following is an entry in ClinVar:

NM_000038.6(APC):c.8101C>G (p.Gln2701Glu)

Gene: APC (APC regulator of Wnt signaling pathway; plus strand). Cytogenetic location: 5q22.2.
Variant type: single nucleotide variant.
Coding change: c.8101C>G on transcript NM_000038.6 (MANE Select); coding-DNA position 8101, C replaced by G.
Protein change: p.Gln2701Glu; replaces glutamine 2701 with glutamic acid.
Molecular consequence: missense variant.
Genome position (GRCh38, 1-based): chr5:112,843,695, C>G. VCF-style: chr5-112843695-C-G. GRCh37 (hg19) VCF-style: chr5-112179392-C-G.
Other names: c.8101C>G, p.Gln2701Glu (NM_001127510.3, NM_001354895.2); c.8047C>G, p.Gln2683Glu (NM_001127511.3); c.8155C>G, p.Gln2719Glu (NM_001354896.2); c.8131C>G, p.Gln2711Glu (NM_001354897.2); c.8026C>G, p.Gln2676Glu (NM_001354898.2); c.8017C>G, p.Gln2673Glu (NM_001354899.2); c.7978C>G, p.Gln2660Glu (NM_001354900.2); c.7924C>G, p.Gln2642Glu (NM_001354901.2); and 5 more; short protein forms Q2600E, Q2676E, Q2683E, Q2701E, Q2610E, Q2660E, Q2673E, Q2418E.
Identifiers: ClinVar variation 644365 (VCV000644365.10), dbSNP rs1270065034, ClinGen allele CA16038925.

ClinVar aggregate classification (germline): Uncertain significance. Review status: criteria provided, multiple submitters, no conflicts (2 of 4 stars). 3 submissions from 3 submitters: Uncertain significance (3). Last evaluated 2025-11-24.

Conditions:
Hereditary cancer-predisposing syndrome. Also called: Neoplastic Syndromes, Hereditary; Tumor predisposition; Hereditary neoplastic syndrome; Hereditary Cancer Syndrome. Identifiers: Orphanet 140162, MedGen C0027672, MeSH D009386, MONDO:0015356.
Familial adenomatous polyposis 1 (FAP1). Also called: FAMILIAL ADENOMATOUS POLYPOSIS 1, ATTENUATED; POLYPOSIS, ADENOMATOUS INTESTINAL. Identifiers: MedGen C2713442, MONDO:0021056, OMIM 175100. Disease mechanism: loss of function.

gnomAD v4.1: 1 of 1,614,024 alleles (0.000062%); highest among the groups gnomAD compares: South Asian, 0.0011%; no homozygotes.

Submissions (3):

Labcorp Genetics (formerly Invitae), Labcorp
Classification: Uncertain significance for Familial adenomatous polyposis 1. Last evaluated: 2025-11-24. Review status: criteria provided, single submitter. Criteria: Invitae Variant Classification Sherloc (09022015). Collection method: clinical testing. Allele origin: germline.
Comment: This sequence change replaces glutamine, which is neutral and polar, with glutamic acid, which is acidic and polar, at codon 2701 of the APC protein (p.Gln2701Glu). This variant is present in population databases (no rsID available, gnomAD 0.003%). This variant has not been reported in the literature in individuals affected with APC-related conditions. ClinVar contains an entry for this variant (Variation ID: 644365). Invitae Evidence Modeling of protein sequence and biophysical properties (such as structural, functional, and spatial information, amino acid conservation, physicochemical variation, residue mobility, and thermodynamic stability) indicates that this missense variant is not expected to disrupt APC protein function with a negative predictive value of 95%. In summary, the available evidence is currently insufficient to determine the role of this variant in disease. Therefore, it has been classified as a Variant of Uncertain Significance.

Ambry Genetics
Classification: Uncertain significance for Hereditary cancer-predisposing syndrome. Last evaluated: 2023-06-29. Review status: criteria provided, single submitter. Criteria: Ambry Variant Classification Scheme 2023. Collection method: clinical testing. Allele origin: germline.
Comment: The p.Q2701E variant (also known as c.8101C>G), located in coding exon 15 of the APC gene, results from a C to G substitution at nucleotide position 8101. The glutamine at codon 2701 is replaced by glutamic acid, an amino acid with highly similar properties. This amino acid position is conserved. In addition, in silico predictors for this gene do not accurately predict pathogenicity. Since supporting evidence is limited at this time, the clinical significance of this alteration remains unclear.

GeneDx
Classification: Uncertain significance. Last evaluated: 2023-05-01. Review status: criteria provided, single submitter. Criteria: GeneDx Variant Classification Process June 2021. Collection method: clinical testing. Allele origin: germline. Affected: yes.
Comment: Not observed at significant frequency in large population cohorts (gnomAD); In silico analysis supports that this missense variant does not alter protein structure/function; Has not been previously published as pathogenic or benign to our knowledge; This variant is associated with the following publications: (PMID: 18199528)